The following is an entry in ClinVar:

NM_000260.4(MYO7A):c.44G>T (p.Arg15Ile)

Gene: MYO7A (myosin VIIA; plus strand). Cytogenetic location: 11q13.5.
Variant type: single nucleotide variant.
Coding change: c.44G>T on transcript NM_000260.4 (MANE Select); coding-DNA position 44, G replaced by T.
Protein change: p.Arg15Ile; replaces arginine 15 with isoleucine.
Molecular consequence: missense variant.
Genome position (GRCh38, 1-based): chr11:77,142,734, G>T. VCF-style: chr11-77142734-G-T. GRCh37 (hg19) VCF-style: chr11-76853780-G-T.
Other names: c.44G>T, p.Arg15Ile (NM_001127180.2); c.11G>T, p.Arg4Ile (NM_001369365.1); short protein forms R15I, R4I.
Identifiers: ClinVar variation 965682 (VCV000965682.9), dbSNP rs1951301206, ClinGen allele CA381947571.
Genomic context (GRCh38, chr11:77,142,734, plus strand): 5'-TGCTCACCTGGGCTGAGACTCTCTCTCGCCCATAGGGGGACCATGTGTGGATGGACCTGA[G>T]ATTGGGGCAGGAGTTCGACGTGCCCATCGGGGCGGTGGTGAAGCTCTGCGACTCTGGGCA-3'
Protein context (NP_000251.3, residues 5-25): QQGDHVWMDL[Arg15Ile]LGQEFDVPIG

ClinVar aggregate classification (germline): Uncertain significance (1 of 4 stars; one submission).

gnomAD v4.1: 1 of 1,611,596 alleles (0.000062%); highest among the groups gnomAD compares: South Asian, 0.0011%; no homozygotes.

Submission:

Labcorp Genetics (formerly Invitae), Labcorp
Classification: Uncertain significance. Last evaluated: 2025-03-17. Review status: criteria provided, single submitter. Criteria: Invitae Variant Classification Sherloc (09022015). Collection method: clinical testing. Allele origin: germline.
Comment: This sequence change replaces arginine, which is basic and polar, with isoleucine, which is neutral and non-polar, at codon 15 of the MYO7A protein (p.Arg15Ile). This variant is not present in population databases (gnomAD no frequency). This variant has not been reported in the literature in individuals affected with MYO7A-related conditions. ClinVar contains an entry for this variant (Variation ID: 965682). Invitae Evidence Modeling of protein sequence and biophysical properties (such as structural, functional, and spatial information, amino acid conservation, physicochemical variation, residue mobility, and thermodynamic stability) indicates that this missense variant is not expected to disrupt MYO7A protein function with a negative predictive value of 95%. In summary, the available evidence is currently insufficient to determine the role of this variant in disease. Therefore, it has been classified as a Variant of Uncertain Significance.